The following is an entry in ClinVar:

ClinVar aggregate classification (germline): Uncertain significance (1 of 4 stars; one submission).

Conditions:
Inborn genetic diseases. Identifiers: MedGen C0950123, MeSH D030342.

Submission:

Ambry Genetics
Classification: Uncertain significance for Inborn genetic diseases. Last evaluated: 2024-07-23. Review status: criteria provided, single submitter. Criteria: Ambry Variant Classification Scheme 2023. Collection method: clinical testing. Allele origin: germline.
Comment: The p.D1863E variant (also known as c.5589C>G), located in coding exon 38 of the LRRK2 gene, results from a C to G substitution at nucleotide position 5589. The aspartic acid at codon 1863 is replaced by glutamic acid, an amino acid with highly similar properties. This amino acid position is conserved. In addition, the in silico prediction for this alteration is inconclusive. Based on the available evidence, the clinical significance of this variant remains unclear.

NM_198578.4(LRRK2):c.5589C>G (p.Asp1863Glu)

Gene: LRRK2 (leucine rich repeat kinase 2; plus strand). Cytogenetic location: 12q12.
Variant type: single nucleotide variant.
Coding change: c.5589C>G on transcript NM_198578.4 (MANE Select); coding-DNA position 5589, C replaced by G.
Protein change: p.Asp1863Glu; replaces aspartic acid 1863 with glutamic acid.
Molecular consequence: missense variant.
Genome position (GRCh38, 1-based): chr12:40,323,239, C>G. VCF-style: chr12-40323239-C-G. GRCh37 (hg19) VCF-style: chr12-40717041-C-G.
Other names: short protein forms D1863E.
Identifiers: ClinVar variation 3540587 (VCV003540587.1).
Genomic context (GRCh38, chr12:40,323,239, plus strand): 5'-AGATCAACCAAGGCTCACCATTCCAATATCTCAGATTGCCCCTGACTTGATTTTGGCTGA[C>G]CTGCCTAGAAATATTATGTTGAATAATGATGAGTTGGAATTTGAACAAGCTCCAGAGTTT-3'
Protein context (NP_940980.4, residues 1853-1873): SQIAPDLILA[Asp1863Glu]LPRNIMLNND